The following is an entry in ClinVar:

ClinVar aggregate classification (germline): Conflicting classifications of pathogenicity. Review status: criteria provided, conflicting classifications (1 of 4 stars). 3 submissions from 3 submitters: Pathogenic (1); Uncertain significance (1). 1 of the submissions does not count toward it. Last evaluated 2026-03-30.

Conditions:
Mucopolysaccharidosis, MPS-III-B (MPS3B). Also called: N-ACETYL-ALPHA-D-GLUCOSAMINIDASE DEFICIENCY; NAGLU DEFICIENCY; SANFILIPPO SYNDROME B; Mucopolysaccharidosis type IIIB (Sanfilippo B); MPS IIIB (Sanfilippo Syndrome Type B); MUCOPOLYSACCHARIDOSIS, TYPE IIIB. Identifiers: Orphanet 79270, MedGen C0086648, MONDO:0009656, OMIM 252920.
Charcot-Marie-Tooth disease axonal type 2V. Also called: CHARCOT-MARIE-TOOTH NEUROPATHY, TYPE 2V; CHARCOT-MARIE-TOOTH DISEASE, AXONAL, AUTOSOMAL DOMINANT, TYPE 2V. Identifiers: Orphanet 447964, MedGen C5569050, MONDO:0014665, OMIM 616491.
Mucopolysaccharidosis. Also called: Mucopolysaccharidoses. Identifiers: Orphanet 79213, MedGen C0026703, MeSH D009083, MONDO:0019249.

Allele frequency attached by ClinVar (database versions not stated): gnomAD exomes below 0.00001 and 0.00001; gnomAD 0.00001.

Submissions (3):

Myriad Genetics, Inc.
Classification: Uncertain significance for Mucopolysaccharidosis, MPS-III-B. Last evaluated: 2026-03-30. Review status: criteria provided, single submitter. Criteria: Myriad Autosomal Dominant, Autosomal Recessive and X-Linked Classification Criteria (2023). Collection method: clinical testing. Allele origin: unknown.
Comment: NM_000263.3(NAGLU):c.1489C>G(L497V) is a missense variant classified as a variant of uncertain significance in the context of mucopolysaccharidosis type IIIB. L497V has been observed in cases with relevant disease (PMID: 20852935, 26907177). Relevant functional assessments of this variant are available in the literature (PMID: 29979746). L497V has been observed in referenced population frequency databases. In summary, there is insufficient evidence to classify NM_000263.3(NAGLU):c.1489C>G(L497V) as pathogenic or benign. Please note: this variant was assessed in the context of healthy population screening.

Labcorp Genetics (formerly Invitae), Labcorp
Classification: Pathogenic for Charcot-Marie-Tooth disease axonal type 2V; Mucopolysaccharidosis, MPS-III-B. Last evaluated: 2023-08-04. Review status: criteria provided, single submitter. Criteria: Invitae Variant Classification Sherloc (09022015). Collection method: clinical testing. Allele origin: germline.
Comment: For these reasons, this variant has been classified as Pathogenic. This sequence change replaces leucine, which is neutral and non-polar, with valine, which is neutral and non-polar, at codon 497 of the NAGLU protein (p.Leu497Val). This variant is present in population databases (no rsID available, gnomAD 0.001%). This missense change has been observed in individual(s) with mucopolysaccharidosis type III (PMID: 20852935, 26907177). It has also been observed to segregate with disease in related individuals. ClinVar contains an entry for this variant (Variation ID: 830367). Advanced modeling of protein sequence and biophysical properties (such as structural, functional, and spatial information, amino acid conservation, physicochemical variation, residue mobility, and thermodynamic stability) performed at Invitae indicates that this missense variant is expected to disrupt NAGLU protein function. Experimental studies have shown that this missense change affects NAGLU function (PMID: 29979746).

GeneReviews
No classification provided. Condition: Mucopolysaccharidosis. Review status: no classification provided. Collection method: literature only. Allele origin: germline. Not counted in ClinVar's aggregate classification.

Literature cited by the submitters: PubMed 20852935 (cited by 3 submitters); PubMed 26907177 (cited by Myriad Genetics, Inc. and Labcorp Genetics (formerly Invitae), Labcorp); PubMed 29979746 (cited by Myriad Genetics, Inc. and Labcorp Genetics (formerly Invitae), Labcorp); PubMed 31536183 (cited by GeneReviews).

NM_000263.4(NAGLU):c.1489C>G (p.Leu497Val)

Gene: NAGLU (N-acetyl-alpha-glucosaminidase; plus strand). Cytogenetic location: 17q21.2.
Variant type: single nucleotide variant.
Coding change: c.1489C>G on transcript NM_000263.4 (MANE Select); coding-DNA position 1489, C replaced by G.
Protein change: p.Leu497Val; replaces leucine 497 with valine.
Molecular consequence: missense variant.
Genome position (GRCh38, 1-based): chr17:42,543,495, C>G. VCF-style: chr17-42543495-C-G. GRCh37 (hg19) VCF-style: chr17-40695513-C-G.
Other names: short protein forms L497V.
Identifiers: ClinVar variation 830367 (VCV000830367.12), dbSNP rs1353058781, ClinGen allele CA399603981.